The following is an entry in ClinVar:

NM_000384.3(APOB):c.11116A>G (p.Thr3706Ala)

Gene: APOB (apolipoprotein B; minus strand). Cytogenetic location: 2p24.1.
Variant type: single nucleotide variant.
Coding change: c.11116A>G on transcript NM_000384.3 (MANE Select); coding-DNA position 11116, A replaced by G.
Protein change: p.Thr3706Ala; replaces threonine 3706 with alanine.
Molecular consequence: missense variant.
Genome position (GRCh38, 1-based): chr2:21,005,752, T>C on the plus strand (A>G on the coding strand, the complement: APOB is on the minus strand). VCF-style: chr2-21005752-T-C. GRCh37 (hg19) VCF-style: chr2-21228624-T-C.
Other names: short protein forms T3706A.
Identifiers: ClinVar variation 3572063 (VCV003572063.1).

ClinVar aggregate classification (germline): Uncertain significance (1 of 4 stars; one submission).

gnomAD v4.1: 8 of 1,613,958 alleles (0.0005%); highest among the groups gnomAD compares: East Asian, 0.0022%; no homozygotes.

Submission:

Quest Diagnostics Nichols Institute San Juan Capistrano
Classification: Uncertain significance. Last evaluated: 2024-11-21. Review status: criteria provided, single submitter. Criteria: Quest Diagnostics criteria. Collection method: clinical testing. Allele origin: unknown.
Comment: The APOB c.11116A>G (p.Thr3706Ala) variant has not been reported in individuals with APOB-related conditions in the published literature. It also has not been reported in large, multi-ethnic general populations (Genome Aggregation Database). Analysis of this variant using bioinformatics tools for the prediction of the effect of amino acid changes on protein structure and function yielded conflicting predictions that this variant is benign or damaging. Additional analysis using software algorithms for the prediction of the effect of nucleotide changes on APOB mRNA splicing yielded predictions that this variant may result in the gain of a cryptic splice site without affecting the natural splice sites. Based on the available information, we are unable to determine the clinical significance of this variant.